The following is an entry in ClinVar:

ClinVar aggregate classification (germline): Uncertain significance (1 of 4 stars; one submission).

Conditions:
Hereditary cancer-predisposing syndrome. Also called: Neoplastic Syndromes, Hereditary; Hereditary Cancer Syndrome; Tumor predisposition; Hereditary neoplastic syndrome. Identifiers: Orphanet 140162, MedGen C0027672, MeSH D009386, MONDO:0015356.

Submission:

Ambry Genetics
Classification: Uncertain significance for Hereditary cancer-predisposing syndrome. Last evaluated: 2025-01-14. Review status: criteria provided, single submitter. Criteria: Ambry Variant Classification Scheme 2023. Collection method: clinical testing. Allele origin: germline.
Comment: The p.L39M variant (also known as c.115C>A), located in coding exon 1 of the PTCH1 gene, results from a C to A substitution at nucleotide position 115. The leucine at codon 39 is replaced by methionine, an amino acid with highly similar properties. This amino acid position is conserved. In addition, this alteration is predicted to be tolerated by in silico analysis. Based on the available evidence, the clinical significance of this variant remains unclear.

NM_000264.5(PTCH1):c.115C>A (p.Leu39Met)

Genes: PTCH1 (patched 1; minus strand), LOC130002133 (ATAC-STARR-seq lymphoblastoid silent region 20071; plus strand). Cytogenetic location: 9q22.32.
Variant type: single nucleotide variant.
Coding change: c.115C>A on transcript NM_000264.5 (MANE Select); coding-DNA position 115, C replaced by A.
Protein change: p.Leu39Met; replaces leucine 39 with methionine.
Molecular consequence: missense variant. On other transcripts: intron variant (3), non-coding transcript variant (1).
Genome position (GRCh38, 1-based): chr9:95,508,247, G>T on the plus strand (C>A on the coding strand, the complement: PTCH1 is on the minus strand). VCF-style: chr9-95508247-G-T. GRCh37 (hg19) VCF-style: chr9-98270529-G-T.
Other names: c.199-1648C>A (NM_001083603.3); c.4-1648C>A (NM_001083602.3, NM_001354919.2); c.115C>A, p.Leu39Met (NM_001354918.2); short protein forms L39M.
Identifiers: ClinVar variation 3784636 (VCV003784636.1).